The following is an entry in ClinVar:

NM_001378454.1(ALMS1):c.11669-1G>C

Gene: ALMS1 (ALMS1 centrosome and basal body associated protein; plus strand). Cytogenetic location: 2p13.1.
Variant type: single nucleotide variant.
Coding change: c.11669-1G>C on transcript NM_001378454.1 (MANE Select); the canonical splice acceptor site of the intron before coding-DNA position 11669, G replaced by C.
Molecular consequence: splice acceptor variant.
Genome position (GRCh38, 1-based): chr2:73,600,677, G>C. VCF-style: chr2-73600677-G-C. GRCh37 (hg19) VCF-style: chr2-73827804-G-C.
Other names: c.11669-1G>C (NM_015120.4).
Identifiers: ClinVar variation 1411491 (VCV001411491.7), dbSNP rs750737346, ClinGen allele CA1715287.

ClinVar aggregate classification (germline): Pathogenic/Likely pathogenic. Review status: criteria provided, multiple submitters, no conflicts (2 of 4 stars). 2 submissions from 2 submitters: Pathogenic (1); Likely pathogenic (1). Last evaluated 2022-06-13.

Conditions:
Alstrom syndrome (ALMS). Identifiers: Orphanet 64, MedGen C0268425, MONDO:0008763, OMIM 203800.
ALMS1-related disorder. Also called: ALMS1-related condition.

Allele frequency attached by ClinVar (database versions not stated): ExAC 0.00001; gnomAD exomes 0.00001.
gnomAD v4.1: 2 of 1,611,978 alleles (0.00012%); highest among the groups gnomAD compares: Non-Finnish European, 0.00017%; no homozygotes.

Submissions (2):

Labcorp Genetics (formerly Invitae), Labcorp
Classification: Pathogenic for Alstrom syndrome. Last evaluated: 2022-06-13. Review status: criteria provided, single submitter. Criteria: Invitae Variant Classification Sherloc (09022015). Collection method: clinical testing. Allele origin: germline.
Comment: For these reasons, this variant has been classified as Pathogenic. Algorithms developed to predict the effect of sequence changes on RNA splicing suggest that this variant may disrupt the consensus splice site. Disruption of this splice site has been observed in individuals with clinical features of Alstrom syndrome (PMID: 29715191; Invitae). This variant is present in population databases (rs750737346, gnomAD 0.0009%). This sequence change affects an acceptor splice site in intron 17 of the ALMS1 gene. It is expected to disrupt RNA splicing. Variants that disrupt the donor or acceptor splice site typically lead to a loss of protein function (PMID: 16199547), and loss-of-function variants in ALMS1 are known to be pathogenic (PMID: 17594715).

Blueprint Genetics
Classification: Likely pathogenic for ALMS1-related disorders. Last evaluated: 2021-11-11. Review status: criteria provided, single submitter. Criteria: ACMG Guidelines, 2015. Collection method: clinical testing. Allele origin: germline. Affected: yes. Observed: 2 variant alleles.

Literature cited by the submitters: PubMed 29715191 (cited by Labcorp Genetics (formerly Invitae), Labcorp); PubMed 16199547 (cited by Labcorp Genetics (formerly Invitae), Labcorp); PubMed 17594715 (cited by Labcorp Genetics (formerly Invitae), Labcorp).